The following is an entry in ClinVar:

ClinVar aggregate classification (germline): Likely benign. Review status: criteria provided, multiple submitters, no conflicts (2 of 4 stars). 3 submissions from 2 submitters: Likely benign (3). Last evaluated 2018-01-13.

Conditions:
Hypertrophic osteoarthropathy, primary, autosomal recessive, 1 (PHOAR1). Also called: PHO, AUTOSOMAL RECESSIVE. Identifiers: Orphanet 1525, Orphanet 2796, MedGen C4551679, MONDO:0024546, OMIM 259100.
Isolated congenital digital clubbing. Also called: ACROPACHY, HEREDITARY; CLUBBING OF DIGITS. Identifiers: Orphanet 217059, MedGen C0345408, MONDO:0007343, OMIM 119900.

Allele frequency attached by ClinVar (database versions not stated): 1000 Genomes Project 0.00399; 1000 Genomes Project 30x 0.00437; gnomAD 0.00569 and 0.00570; TOPMed 0.00577; gnomAD exomes 0.00937.
gnomAD v4.1: 11,077 of 1,249,398 alleles (0.89%); highest among the groups gnomAD compares: Non-Finnish European, 1.1%; 83 homozygotes.

Submissions (3):

Illumina Laboratory Services, Illumina
Classification: Likely benign for Hypertrophic osteoarthropathy, primary, autosomal recessive, 1. Last evaluated: 2018-01-13. Review status: criteria provided, single submitter. Criteria: ICSL Variant Classification Criteria 13 December 2019. Collection method: clinical testing. Allele origin: germline.
Comment: This variant was observed in the ICSL laboratory as part of a predisposition screen in an ostensibly healthy population. It had not been previously curated by ICSL or reported in the Human Gene Mutation Database (HGMD: prior to June 1st, 2018), and was therefore a candidate for classification through an automated scoring system. Utilizing variant allele frequency, disease prevalence and penetrance estimates, and inheritance mode, an automated score was calculated to assess if this variant is too frequent to cause the disease. Based on the score and internal cut-off values, a variant classified as likely benign is not then subjected to further curation. The score for this variant resulted in a classification of likely benign for this disease.

Illumina Laboratory Services, Illumina
Classification: Likely benign for Isolated congenital digital clubbing. Last evaluated: 2018-01-13. Review status: criteria provided, single submitter. Criteria: ICSL Variant Classification Criteria 13 December 2019. Collection method: clinical testing. Allele origin: germline.
Comment: the same text as in the submission from Illumina Laboratory Services, Illumina above.

Breakthrough Genomics
Classification: Likely benign. Review status: criteria provided, single submitter. Criteria: ACMG Guidelines, 2015. Collection method: not provided. Allele origin: germline. Inheritance: Autosomal recessive inheritance. Affected: yes.

NM_000860.6(HPGD):c.*87A>G

Gene: HPGD (15-hydroxyprostaglandin dehydrogenase; minus strand). Cytogenetic location: 4q34.1.
Variant type: single nucleotide variant.
Coding change: c.*87A>G on transcript NM_000860.6 (MANE Select); 87 bases downstream of the stop codon, A replaced by G.
Molecular consequence: 3 prime UTR variant.
Genome position (GRCh38, 1-based): chr4:174,491,869, T>C on the plus strand (A>G on the coding strand, the complement: HPGD is on the minus strand). VCF-style: chr4-174491869-T-C. GRCh37 (hg19) VCF-style: chr4-175413020-T-C.
Other names: c.*187A>G (NM_001145816.3); c.*87A>G (NM_001256301.1, NM_001256306.2, NM_001256307.2); c.*215A>G (NM_001256305.2).
Identifiers: ClinVar variation 348197 (VCV000348197.6), dbSNP rs45522334, ClinGen allele CA10618309.